The following is an entry in ClinVar:

NM_001378454.1(ALMS1):c.7288A>C (p.Ser2430Arg)

Gene: ALMS1 (ALMS1 centrosome and basal body associated protein; plus strand). Cytogenetic location: 2p13.1.
Variant type: single nucleotide variant.
Coding change: c.7288A>C on transcript NM_001378454.1 (MANE Select); coding-DNA position 7288, A replaced by C.
Protein change: p.Ser2430Arg; replaces serine 2430 with arginine.
Molecular consequence: missense variant.
Genome position (GRCh38, 1-based): chr2:73,453,815, A>C. VCF-style: chr2-73453815-A-C. GRCh37 (hg19) VCF-style: chr2-73680942-A-C.
Other names: c.7291A>C, p.Ser2431Arg (NM_015120.4); short protein forms S2431R, S2430R.
Identifiers: ClinVar variation 640904 (VCV000640904.23), dbSNP rs539112266, ClinGen allele CA1714210.

ClinVar aggregate classification (germline): Uncertain significance. Review status: criteria provided, multiple submitters, no conflicts (2 of 4 stars). 10 submissions from 10 submitters: Uncertain significance (9). 1 of the submissions does not count toward it. Last evaluated 2025-08-09.

Conditions:
Cardiovascular phenotype. Identifiers: MedGen CN230736.
Alstrom syndrome (ALMS). Identifiers: Orphanet 64, MedGen C0268425, MONDO:0008763, OMIM 203800.

Allele frequency attached by ClinVar (database versions not stated): ExAC 0.00005; TOPMed 0.00014; gnomAD 0.00019.
gnomAD v4.1: 333 of 1,614,054 alleles (0.021%); highest among the groups gnomAD compares: Non-Finnish European, 0.026%; no homozygotes.

Submissions (10):

GeneDx
Classification: Uncertain significance. Last evaluated: 2025-08-09. Review status: criteria provided, single submitter. Criteria: GeneDx Variant Classification Process June 2021. Collection method: clinical testing. Allele origin: germline. Affected: yes.
Comment: In silico analysis suggests that this missense variant does not alter protein structure/function; This variant is associated with the following publications: (PMID: 25846608)

Ambry Genetics
Classification: Uncertain significance for Cardiovascular phenotype. Last evaluated: 2025-05-29. Review status: criteria provided, single submitter. Criteria: Ambry Variant Classification Scheme 2023. Collection method: clinical testing. Allele origin: germline.
Comment: The p.S2431R variant (also known as c.7291A>C), located in coding exon 8 of the ALMS1 gene, results from an A to C substitution at nucleotide position 7291. The serine at codon 2431 is replaced by arginine, an amino acid with dissimilar properties. This amino acid position is well conserved in available vertebrate species. In addition, the in silico prediction for this alteration is inconclusive. Since supporting evidence is limited at this time, the clinical significance of this alteration remains unclear.

Blueprint Genetics
Classification: Uncertain significance. Last evaluated: 2024-07-02. Review status: criteria provided, single submitter. Criteria: ACMG Guidelines, 2015. Collection method: clinical testing. Allele origin: germline.

Department of Pathology and Laboratory Medicine, Sinai Health System
Classification: Uncertain significance for Alstrom syndrome. Last evaluated: 2023-09-05. Review status: criteria provided, single submitter. Criteria: ACMG Guidelines, 2015. Collection method: research. Allele origin: germline.

Labcorp Genetics (formerly Invitae), Labcorp
Classification: Uncertain significance for Alstrom syndrome. Last evaluated: 2022-10-24. Review status: criteria provided, single submitter. Criteria: Invitae Variant Classification Sherloc (09022015). Collection method: clinical testing. Allele origin: germline.
Comment: This sequence change replaces serine, which is neutral and polar, with arginine, which is basic and polar, at codon 2431 of the ALMS1 protein (p.Ser2431Arg). This variant is present in population databases (rs539112266, gnomAD 0.02%). This variant has not been reported in the literature in individuals affected with ALMS1-related conditions. ClinVar contains an entry for this variant (Variation ID: 640904). Experimental studies and prediction algorithms are not available or were not evaluated, and the functional significance of this variant is currently unknown. In summary, the available evidence is currently insufficient to determine the role of this variant in disease. Therefore, it has been classified as a Variant of Uncertain Significance.

Women's Health and Genetics/Laboratory Corporation of America, LabCorp
Classification: Uncertain significance. Last evaluated: 2022-08-01. Review status: criteria provided, single submitter. Criteria: LabCorp Variant Classification Summary - May 2015. Collection method: clinical testing. Allele origin: germline.
Comment: Variant summary: ALMS1 c.7285A>C (p.Ser2429Arg), also referred to as c.7291A>C (p.Ser2431Arg) in RefSeq, results in a non-conservative amino acid change in the encoded protein sequence. Two of four in-silico tools predict a benign effect of the variant on protein function. The variant allele was found at a frequency of 0.00011 in 249412 control chromosomes (gnomAD). This frequency is not significantly higher than expected for a pathogenic variant in ALMS1 causing Alstrom Syndrome With Dilated Cardiomyopathy (0.00011 vs 0.0018), allowing no conclusion about variant significance. c.7285A>C has been reported in the literature in at least one heterozygous individual affected with Alstrom Syndrome without strong evidence for causality (e.g. Marshall_2015). This report does not provide unequivocal conclusions about association of the variant with Alstrom Syndrome With Dilated Cardiomyopathy. To our knowledge, no experimental evidence demonstrating an impact on protein function has been reported. Five submitters have provided clinical-significance assessments for this variant to ClinVar after 2014 and all classified the variant as uncertain significance. Based on the evidence outlined above, the variant was classified as uncertain significance.

Fulgent Genetics
Classification: Uncertain significance for Alstrom syndrome. Last evaluated: 2022-03-23. Review status: criteria provided, single submitter. Criteria: ACMG Guidelines, 2015. Collection method: clinical testing. Allele origin: unknown.

Laboratory for Molecular Medicine, Mass General Brigham Personalized Medicine
Classification: Uncertain significance. Last evaluated: 2020-03-11. Review status: criteria provided, single submitter. Criteria: LMM Criteria. Collection method: clinical testing. Allele origin: germline. Observed: 1 variant allele.
Comment: The p.Ser2431Arg variant in ALMS1 has not been previously reported in individuals with hearing loss but has been identified in 0.022% (28/128584) of European chromosomes by gnomAD. This variant has been reported in in ClinVar (Variation ID: 640904). Computational prediction tools and conservation analyses do not provide strong support for or against an impact to the protein. In summary, the clinical significance of this variant is uncertain. ACMG/AMP Criteria applied: PM2_Supporting.

Baylor Genetics
Classification: Uncertain significance for Alstrom syndrome. Last evaluated: 2018-07-12. Review status: criteria provided, single submitter. Criteria: ACMG Guidelines, 2015. Collection method: clinical testing. Allele origin: paternal. Affected: yes.
Comment: This variant was determined to be of uncertain significance according to ACMG Guidelines, 2015 [PMID:25741868].

Natera, Inc.
Classification: Uncertain significance for Alstrom syndrome. Last evaluated: 2021-07-27. Review status: no assertion criteria provided. Collection method: clinical testing. Allele origin: germline. Not counted in ClinVar's aggregate classification.

Literature cited by the submitters: PubMed 25846608 (cited by Women's Health and Genetics/Laboratory Corporation of America, LabCorp).